The following is an entry in ClinVar:

ClinVar aggregate classification (germline): Uncertain significance. Review status: criteria provided, multiple submitters, no conflicts (2 of 4 stars). 2 submissions from 2 submitters: Uncertain significance (2). Last evaluated 2024-09-26.

Conditions:
Inborn genetic diseases. Identifiers: MedGen C0950123, MeSH D030342.

Allele frequency attached by ClinVar (database versions not stated): gnomAD exomes below 0.00001; TOPMed 0.00001.
gnomAD v4.1: 2 of 1,600,602 alleles (0.00012%); highest among the groups gnomAD compares: African/African-American, 0.0027%; no homozygotes.

Submissions (2):

Ambry Genetics
Classification: Uncertain significance for Inborn genetic diseases. Last evaluated: 2024-09-26. Review status: criteria provided, single submitter. Criteria: Ambry Variant Classification Scheme 2023. Collection method: clinical testing. Allele origin: germline.
Comment: The p.Y2078H variant (also known as c.6232T>C), located in coding exon 37 of the ATR gene, results from a T to C substitution at nucleotide position 6232. The tyrosine at codon 2078 is replaced by histidine, an amino acid with similar properties. This amino acid position is conserved. In addition, the in silico prediction for this alteration is inconclusive. Based on the available evidence, the clinical significance of this variant remains unclear.

Labcorp Genetics (formerly Invitae), Labcorp
Classification: Uncertain significance. Last evaluated: 2023-12-25. Review status: criteria provided, single submitter. Criteria: Invitae Variant Classification Sherloc (09022015). Collection method: clinical testing. Allele origin: germline.
Comment: This sequence change replaces tyrosine, which is neutral and polar, with histidine, which is basic and polar, at codon 2078 of the ATR protein (p.Tyr2078His). This variant is not present in population databases (gnomAD no frequency). This variant has not been reported in the literature in individuals affected with ATR-related conditions. ClinVar contains an entry for this variant (Variation ID: 1014072). An algorithm developed to predict the effect of missense changes on protein structure and function (PolyPhen-2) suggests that this variant is likely to be disruptive. In summary, the available evidence is currently insufficient to determine the role of this variant in disease. Therefore, it has been classified as a Variant of Uncertain Significance.

NM_001184.4(ATR):c.6232T>C (p.Tyr2078His)

Gene: ATR (ATR checkpoint kinase; minus strand). Cytogenetic location: 3q23.
Variant type: single nucleotide variant.
Coding change: c.6232T>C on transcript NM_001184.4 (MANE Select); coding-DNA position 6232, T replaced by C.
Protein change: p.Tyr2078His; replaces tyrosine 2078 with histidine.
Molecular consequence: missense variant.
Genome position (GRCh38, 1-based): chr3:142,470,173, A>G on the plus strand (T>C on the coding strand, the complement: ATR is on the minus strand). VCF-style: chr3-142470173-A-G. GRCh37 (hg19) VCF-style: chr3-142189015-A-G.
Other names: c.6040T>C, p.Tyr2014His (NM_001354579.2); c.6232T>C (NM_001184.3); short protein forms Y2014H, Y2078H.
Identifiers: ClinVar variation 1014072 (VCV001014072.9), dbSNP rs1183951151, ClinGen allele CA354806108.
Genomic context (GRCh38, chr3:142,470,173, plus strand): 5'-CATAATCAAGCCATAGAGTTAACATTCGTGGCATTGACTGATATATGAACTGATTTCCAT[A>G]TTGTAGAGATCTGCAATTATATAGACAAGAAACACTATTAGCATAGCTGTCATTTTTATA-3'
Protein context (NP_001175.2, residues 2068-2088): IVLHFGRSLQ[Tyr2078His]GNQFIYQSMP